The following is an entry in ClinVar:

ClinVar aggregate classification (germline): Uncertain significance (1 of 4 stars; one submission).

Conditions:
Wilms tumor 1 (WT1). Also called: Wilms tumor, somatic. Identifiers: Orphanet 654, MedGen CN033288, MONDO:0008679, OMIM 194070.

Submission:

Labcorp Genetics (formerly Invitae), Labcorp
Classification: Uncertain significance for Wilms tumor 1. Last evaluated: 2023-06-23. Review status: criteria provided, single submitter. Criteria: Invitae Variant Classification Sherloc (09022015). Collection method: clinical testing. Allele origin: germline.
Comment: Advanced modeling of protein sequence and biophysical properties (such as structural, functional, and spatial information, amino acid conservation, physicochemical variation, residue mobility, and thermodynamic stability) performed at Invitae indicates that this missense variant is expected to disrupt GPC3 protein function. ClinVar contains an entry for this variant (Variation ID: 1909075). This variant has not been reported in the literature in individuals affected with GPC3-related conditions. This variant is not present in population databases (gnomAD no frequency). This sequence change replaces glutamine, which is neutral and polar, with proline, which is neutral and non-polar, at codon 106 of the GPC3 protein (p.Gln106Pro). In summary, the available evidence is currently insufficient to determine the role of this variant in disease. Therefore, it has been classified as a Variant of Uncertain Significance.

NM_004484.4(GPC3):c.317A>C (p.Gln106Pro)

Gene: GPC3 (glypican 3; minus strand). Cytogenetic location: Xq26.2.
Variant type: single nucleotide variant.
Coding change: c.317A>C on transcript NM_004484.4 (MANE Select); coding-DNA position 317, A replaced by C.
Protein change: p.Gln106Pro; replaces glutamine 106 with proline.
Molecular consequence: missense variant. On other transcripts: intron variant (2).
Genome position (GRCh38, 1-based): chrX:133,953,070, T>G on the plus strand (A>C on the coding strand, the complement: GPC3 is on the minus strand). VCF-style: chrX-133953070-T-G. GRCh37 (hg19) VCF-style: chrX-133087097-T-G.
Other names: c.317A>C, p.Gln106Pro (NM_001164617.2); c.175+32205A>C (NM_001164619.2); c.289+28A>C (NM_001164618.2); short protein forms Q106P.
Identifiers: ClinVar variation 1909075 (VCV001909075.5), dbSNP rs2521895174, ClinGen allele CA414707302.